The following is an entry in ClinVar:

ClinVar aggregate classification (germline): Uncertain significance. Review status: criteria provided, multiple submitters, no conflicts (2 of 4 stars). 3 submissions from 3 submitters: Uncertain significance (3). Last evaluated 2024-12-06.

Conditions:
HYPERHOMOCYSTEINEMIA, THROMBOTIC, CBS-RELATED. Identifiers: MedGen C3150344, OMIM 236200.

Submissions (3):

GeneDx
Classification: Uncertain significance. Last evaluated: 2024-12-06. Review status: criteria provided, single submitter. Criteria: GeneDx Variant Classification Process June 2021. Collection method: clinical testing. Allele origin: germline. Affected: yes.
Comment: Not observed at significant frequency in large population cohorts (gnomAD); In silico analysis indicates that this missense variant does not alter protein structure/function; This variant is associated with the following publications: (PMID: 10364517, 18708589, 30556376, 18950795, 34842599, 10338090)

Women's Health and Genetics/Laboratory Corporation of America, LabCorp
Classification: Uncertain significance. Last evaluated: 2022-12-15. Review status: criteria provided, single submitter. Criteria: LabCorp Variant Classification Summary - May 2015. Collection method: clinical testing. Allele origin: germline.
Comment: Variant summary: CBS c.1471C>T (p.Arg491Cys) results in a non-conservative amino acid change located in the Cystathionine beta-synthase, C-terminal domain (IPR046353) of the encoded protein sequence. Three of five in-silico tools predict a benign effect of the variant on protein function. The variant allele was found at a frequency of 1.9e-05 in 159568 control chromosomes (gnomAD). c.1471C>T has been reported in the literature in one homozygous individual affected with Homocystinuria (Kluijtmans_1999). In addition, this variant was observed in cis with c.1105C>T (R369C) and showed CBS activity of 10% WT in an E. coli expression system (Kluijtmans_1999). These data indicate that the variant may be associated with disease. No clinical diagnostic laboratories have submitted clinical-significance assessments for this variant to ClinVar after 2014. Based on the evidence outlined above, the variant was classified as VUS-possibly pathogenic.

Labcorp Genetics (formerly Invitae), Labcorp
Classification: Uncertain significance for HYPERHOMOCYSTEINEMIA, THROMBOTIC, CBS-RELATED. Last evaluated: 2022-10-30. Review status: criteria provided, single submitter. Criteria: Invitae Variant Classification Sherloc (09022015). Collection method: clinical testing. Allele origin: germline.
Comment: This sequence change replaces arginine, which is basic and polar, with cysteine, which is neutral and slightly polar, at codon 491 of the CBS protein (p.Arg491Cys). The frequency data for this variant in the population databases is considered unreliable, as metrics indicate poor data quality at this position in the gnomAD database. This missense change has been observed in individual(s) with homocystinuria (PMID: 10364517). Advanced modeling of protein sequence and biophysical properties (such as structural, functional, and spatial information, amino acid conservation, physicochemical variation, residue mobility, and thermodynamic stability) performed at Invitae indicates that this missense variant is not expected to disrupt CBS protein function. In summary, the available evidence is currently insufficient to determine the role of this variant in disease. Therefore, it has been classified as a Variant of Uncertain Significance.

Literature cited by the submitters: PubMed 10364517 (cited by Women's Health and Genetics/Laboratory Corporation of America, LabCorp and Labcorp Genetics (formerly Invitae), Labcorp); PubMed 18708589 (cited by Women's Health and Genetics/Laboratory Corporation of America, LabCorp); PubMed 18950795 (cited by Women's Health and Genetics/Laboratory Corporation of America, LabCorp); PubMed 10338090 (cited by Women's Health and Genetics/Laboratory Corporation of America, LabCorp); PubMed 30556376 (cited by Women's Health and Genetics/Laboratory Corporation of America, LabCorp); PubMed 32245022 (cited by Women's Health and Genetics/Laboratory Corporation of America, LabCorp); PubMed 32232970 (cited by Women's Health and Genetics/Laboratory Corporation of America, LabCorp); PubMed 34842599 (cited by Women's Health and Genetics/Laboratory Corporation of America, LabCorp).

NM_000071.3(CBS):c.1471C>T (p.Arg491Cys)

Gene: CBS (cystathionine beta-synthase; minus strand). Cytogenetic location: 21q22.3.
Variant type: single nucleotide variant.
Coding change: c.1471C>T on transcript NM_000071.3 (MANE Select); coding-DNA position 1471, C replaced by T.
Protein change: p.Arg491Cys; replaces arginine 491 with cysteine.
Molecular consequence: missense variant.
Genome position (GRCh38, 1-based): chr21:43,056,884, G>A on the plus strand (C>T on the coding strand, the complement: CBS is on the minus strand). VCF-style: chr21-43056884-G-A. GRCh37 (hg19) VCF-style: chr21-44476994-G-A.
Other names: c.1471C>T, p.Arg491Cys (NM_001178008.3, NM_001178009.3, NM_001320298.2); c.1156C>T, p.Arg386Cys (NM_001321072.1); short protein forms R386C, R491C.
Identifiers: ClinVar variation 1868180 (VCV001868180.4), dbSNP rs1339830457, ClinGen allele CA410395895.